The following is an entry in ClinVar:

ClinVar aggregate classification (germline): Uncertain significance (1 of 4 stars; one submission).

Allele frequency attached by ClinVar (database versions not stated): TOPMed 0.00003; gnomAD 0.00004; gnomAD exomes 0.00005 and 0.00006; ExAC 0.00007.
gnomAD v4.1: 82 of 1,614,122 alleles (0.0051%); highest among the groups gnomAD compares: Non-Finnish European, 0.0067%; no homozygotes.

Submission:

GeneDx
Classification: Uncertain significance. Last evaluated: 2022-07-12. Review status: criteria provided, single submitter. Criteria: GeneDx Variant Classification Process June 2021. Collection method: clinical testing. Allele origin: germline. Affected: yes.
Comment: Reported with a second PUS3 variant in unrelated patients with moderate intellectual disability, developmental delay, and dysmorphic features in published literature (Nostvik et al., 2021), but it is not known whether the variants occurred on the same (in cis) or on different (in trans) chromosomes in some cases; In silico analysis supports that this missense variant has a deleterious effect on protein structure/function; This variant is associated with the following publications: (PMID: 34415064)

NM_001134793.2(HYLS1):c.-25-3745C>T

Genes: HYLS1 (HYLS1 centriolar and ciliogenesis associated; plus strand), PUS3 (pseudouridine synthase 3; minus strand). Cytogenetic location: 11q24.2.
Variant type: single nucleotide variant.
Coding change: c.-25-3745C>T on transcript NM_001134793.2 (MANE Select); 3745 bases into the intron before 25 bases upstream of the start codon, C replaced by T.
Molecular consequence: intron variant. On other transcripts: 5 prime UTR variant (1), missense variant (1).
Genome position (GRCh38, 1-based): chr11:125,895,599, C>T. VCF-style: chr11-125895599-C-T. GRCh37 (hg19) VCF-style: chr11-125765494-C-T.
Other names: c.-56G>A (NM_001271985.2); c.569G>A, p.Cys190Tyr (NM_031307.4); c.-80-3505C>T (NM_145014.3); c.-22-3748C>T (NM_001424364.1, NM_001377270.1); c.-25-3745C>T (NM_001377269.1); short protein forms C190Y.
Identifiers: ClinVar variation 1313520 (VCV001313520.3), dbSNP rs780046582, ClinGen allele CA6350490.